The following is an entry in ClinVar:

NM_000492.4(CFTR):c.4369A>G (p.Lys1457Glu)

Genes: CFTR (CF transmembrane conductance regulator; plus strand), LOC111674477 (CFTR intron 23 enhancer; plus strand). Cytogenetic location: 7q31.2.
Variant type: single nucleotide variant.
Coding change: c.4369A>G on transcript NM_000492.4 (MANE Select); coding-DNA position 4369, A replaced by G.
Protein change: p.Lys1457Glu; replaces lysine 1457 with glutamic acid.
Molecular consequence: missense variant.
Genome position (GRCh38, 1-based): chr7:117,667,034, A>G. VCF-style: chr7-117667034-A-G. GRCh37 (hg19) VCF-style: chr7-117307088-A-G.
Other names: short protein forms K1457E.
Identifiers: ClinVar variation 4827534 (VCV004827534.1).

ClinVar aggregate classification (germline): Uncertain significance (1 of 4 stars; one submission).

Conditions:
Cystic fibrosis (CF). Also called: MUCOVISCIDOSIS. Identifiers: Orphanet 586, MedGen C0010674, MONDO:0009061, OMIM 219700. Disease mechanism: loss of function.

Submission:

Ambry Genetics
Classification: Uncertain significance for Cystic fibrosis. Last evaluated: 2026-02-26. Review status: criteria provided, single submitter. Criteria: Ambry Variant Classification Scheme 2023. Collection method: clinical testing. Allele origin: germline.
Comment: The p.K1457E variant (also known as c.4369A>G), located in coding exon 27 of the CFTR gene, results from an A to G substitution at nucleotide position 4369. The lysine at codon 1457 is replaced by glutamic acid, an amino acid with similar properties. This amino acid position is conserved. In addition, the in silico prediction for this alteration is inconclusive. Based on the available evidence, the clinical significance of this variant remains unclear.